The following is an entry in ClinVar:

ClinVar aggregate classification (germline): Likely benign (1 of 4 stars; one submission).

Conditions:
GPBAR1-related disorder. Also called: GPBAR1-related condition.

gnomAD v4.1: 8 of 1,613,816 alleles (0.0005%); highest among the groups gnomAD compares: Admixed American, 0.01%; no homozygotes.

Submission:

PreventionGenetics, part of Exact Sciences
Classification: Likely benign for GPBAR1-related condition. Last evaluated: 2024-10-03. Review status: criteria provided, single submitter. Criteria: ACMG Guidelines, 2015. Collection method: clinical testing. Allele origin: germline.
Comment: This variant is classified as likely benign based on ACMG/AMP sequence variant interpretation guidelines (Richards et al. 2015 PMID: 25741868, with internal and published modifications).

NM_170699.3(GPBAR1):c.220C>T (p.Leu74=)

Gene: GPBAR1 (G protein-coupled bile acid receptor 1; plus strand). Cytogenetic location: 2q35.
Variant type: single nucleotide variant.
Coding change: c.220C>T on transcript NM_170699.3 (MANE Select); coding-DNA position 220, C replaced by T.
Protein change: p.Leu74=; no amino-acid change (leucine 74 retained).
Molecular consequence: synonymous variant.
Genome position (GRCh38, 1-based): chr2:218,262,944, C>T. VCF-style: chr2-218262944-C-T. GRCh37 (hg19) VCF-style: chr2-219127667-C-T.
Other names: c.220C>T, p.Leu74= (NM_001077191.2, NM_001077194.2, NM_001321950.2).
Identifiers: ClinVar variation 4979908 (VCV004979908.1).
Genomic context (GRCh38, chr2:218,262,944, plus strand): 5'-TTCCTGAGCCTACTGCTGGCTGGGCTGCTCACGGGTCTGGCATTGCCCACATTGCCAGGG[C>T]TGTGGAACCAGAGTCGCCGGGGTTACTGGTCCTGCCTCCTCGTCTACTTGGCTCCCAACT-3'
Protein context (NP_733800.1, residues 64-84): TGLALPTLPG[Leu74=]WNQSRRGYWS